The following is an entry in ClinVar:

ClinVar aggregate classification (germline): Uncertain significance (1 of 4 stars; one submission).

Submission:

GeneDx
Classification: Uncertain significance. Last evaluated: 2022-08-20. Review status: criteria provided, single submitter. Criteria: GeneDx Variant Classification Process June 2021. Collection method: clinical testing. Allele origin: germline. Affected: yes.
Comment: Not observed at significant frequency in large population cohorts (gnomAD); In silico analysis supports that this missense variant has a deleterious effect on protein structure/function; Has not been previously published as pathogenic or benign to our knowledge

NM_002739.5(PRKCG):c.1823T>C (p.Ile608Thr)

Gene: PRKCG (protein kinase C gamma; plus strand). Cytogenetic location: 19q13.42.
Variant type: single nucleotide variant.
Coding change: c.1823T>C on transcript NM_002739.5 (MANE Select); coding-DNA position 1823, T replaced by C.
Protein change: p.Ile608Thr; replaces isoleucine 608 with threonine.
Molecular consequence: missense variant.
Genome position (GRCh38, 1-based): chr19:53,906,375, T>C. VCF-style: chr19-53906375-T-C. GRCh37 (hg19) VCF-style: chr19-54409629-T-C.
Other names: c.1823T>C, p.Ile608Thr (NM_001316329.2); short protein forms I608T.
Identifiers: ClinVar variation 2430442 (VCV002430442.1), dbSNP rs2514586011, ClinGen allele CA407420116.